The following is an entry in ClinVar:

ClinVar aggregate classification (germline): Uncertain significance. Review status: criteria provided, multiple submitters, no conflicts (2 of 4 stars). 2 submissions from 2 submitters: Uncertain significance (2). Last evaluated 2025-06-17.

Conditions:
Developmental delay, impaired speech, and behavioral abnormalities, with or without seizures (DEDISB). Identifiers: MedGen C5575272, MONDO:0859263, OMIM 619964.

gnomAD v4.1: 6 of 1,614,122 alleles (0.00037%); highest among the groups gnomAD compares: South Asian, 0.0044%; no homozygotes.

Submissions (2):

Dasa
Classification: Uncertain significance for developmental delay, impaired speech, and behavioral abnormalities, with or without seizures. Last evaluated: 2025-06-17. Review status: criteria provided, single submitter. Criteria: DASA Assertion Criteria. Collection method: clinical testing. Allele origin: germline.
Comment: NM_006421.5(ARFGEF1):c.4987G>A (p.Val1663Ile) is a missense variant that results in the substitution of valine with isoleucine. This variant is rare in population databases. Computational prediction algorithms are consistent with a benign effect. The currently available literature and clinical evidence are not sufficient to establish a definitive association between this variant and the reported condition. Therefore, this variant is classified as a variant of uncertain significance.

Revvity Omics, Revvity
Classification: Uncertain significance for Developmental delay, impaired speech, and behavioral abnormalities, with or without seizures. Last evaluated: 2024-05-20. Review status: criteria provided, single submitter. Criteria: ACMG Guidelines, 2015. Collection method: clinical testing. Allele origin: germline.

NM_006421.5(ARFGEF1):c.4987G>A (p.Val1663Ile)

Gene: ARFGEF1 (ARF guanine nucleotide exchange factor 1; minus strand). Cytogenetic location: 8q13.2.
Variant type: single nucleotide variant.
Coding change: c.4987G>A on transcript NM_006421.5 (MANE Select); coding-DNA position 4987, G replaced by A.
Protein change: p.Val1663Ile; replaces valine 1663 with isoleucine.
Molecular consequence: missense variant. On other transcripts: non-coding transcript variant (1).
Genome position (GRCh38, 1-based): chr8:67,203,224, C>T on the plus strand (G>A on the coding strand, the complement: ARFGEF1 is on the minus strand). VCF-style: chr8-67203224-C-T. GRCh37 (hg19) VCF-style: chr8-68115459-C-T.
Other names: c.4987G>A, p.Val1663Ile (NM_001413184.1, NM_001413187.1, NM_001413194.1); c.4969G>A, p.Val1657Ile (NM_001413185.1, NM_001413186.1, NM_001413189.1); c.4387G>A, p.Val1463Ile (NM_001413188.1, NM_001413197.1); c.4981G>A, p.Val1661Ile (NM_001413190.1); c.4891G>A, p.Val1631Ile (NM_001413191.1); c.4873G>A, p.Val1625Ile (NM_001413192.1); c.4369G>A, p.Val1457Ile (NM_001413193.1); c.3562G>A, p.Val1188Ile (NM_001413196.1); short protein forms V1188I, V1457I, V1463I, V1625I, V1631I, V1657I, V1661I, V1663I.
Identifiers: ClinVar variation 4078007 (VCV004078007.3).